The following is an entry in ClinVar:

NM_005411.5(SFTPA1):c.552T>C (p.Tyr184=)

Gene: SFTPA1 (surfactant protein A1; plus strand). Cytogenetic location: 10q22.3.
Variant type: single nucleotide variant.
Coding change: c.552T>C on transcript NM_005411.5 (MANE Select); coding-DNA position 552, T replaced by C.
Protein change: p.Tyr184=; no amino-acid change (tyrosine 184 retained).
Molecular consequence: synonymous variant.
Genome position (GRCh38, 1-based): chr10:79,613,918, T>C. VCF-style: chr10-79613918-T-C. GRCh37 (hg19) VCF-style: chr10-81373674-T-C.
Other names: p.Tyr184=; c.597T>C, p.Tyr199= (NM_001093770.3); c.552T>C, p.Tyr184= (NM_001164644.2, NM_001164647.1); c.450T>C, p.Tyr150= (NM_001164645.2); c.405T>C, p.Tyr135= (NM_001164646.2).
Identifiers: ClinVar variation 165200 (VCV000165200.10), dbSNP rs4253526, ClinGen allele CA177930.
Genomic context (GRCh38, chr10:79,613,918, plus strand): 5'-CCCAAGGAATCCAGAGGAAAATGAGGCCATTGCAAGCTTCGTGAAGAAGTACAACACATA[T>C]GCCTATGTAGGCCTGACTGAGGGTCCCAGCCCTGGAGACTTCCGCTACTCAGACGGGACC-3'
Protein context (NP_005402.3, residues 174-194): IASFVKKYNT[Tyr184=]AYVGLTEGPS

ClinVar aggregate classification (germline): Benign. Review status: criteria provided, multiple submitters, no conflicts (2 of 4 stars). 6 submissions from 6 submitters: Benign (5). 1 of the submissions does not count toward it. Last evaluated 2024-11-27.

Conditions:
SFTPA1-related disorder. Also called: SFTPA1-related condition.

Allele frequency attached by ClinVar (database versions not stated): ESP Exome Variant Server 0.01185; gnomAD exomes 0.01767 and 0.04221; gnomAD 0.01999 and 0.02521; TOPMed 0.02748; ExAC 0.04057; 1000 Genomes Project 30x 0.08745; 1000 Genomes Project 0.08926.
gnomAD v4.1: 30,379 of 1,613,958 alleles (1.9%); highest among the groups gnomAD compares: East Asian, 24%; 1,927 homozygotes.

Submissions (6):

Blueprint Genetics
Classification: Benign. Last evaluated: 2024-11-27. Review status: criteria provided, single submitter. Criteria: ACMG Guidelines, 2015. Collection method: clinical testing. Allele origin: germline.

Mayo Clinic Laboratories, Mayo Clinic
Classification: Benign. Last evaluated: 2022-09-06. Review status: criteria provided, single submitter. Criteria: ACMG Guidelines, 2015. Collection method: clinical testing. Allele origin: germline. Observed: 1 variant allele.

GeneDx
Classification: Benign. Last evaluated: 2018-11-12. Review status: criteria provided, single submitter. Criteria: GeneDx Variant Classification Process June 2021. Collection method: clinical testing. Allele origin: germline. Affected: yes.

Laboratory for Molecular Medicine, Mass General Brigham Personalized Medicine
Classification: Benign. Last evaluated: 2013-02-21. Review status: criteria provided, single submitter. Criteria: LMM Criteria. Collection method: clinical testing. Allele origin: germline. Observed: 8 variant alleles.
Comment: Tyr199Tyr in exon 6 of SFTPA1: This variant is not expected to have clinical sig nificance because it does not alter an amino acid residue and is not located wit hin the splice consensus sequence. It has been identified in 2.6% (115/4406) of African American chromosomes from a broad population by the NHLBI Exome Sequenci ng Project (dbSNP rs148138544).

Breakthrough Genomics
Classification: Benign. Review status: criteria provided, single submitter. Criteria: ACMG Guidelines, 2015. Collection method: not provided. Allele origin: germline. Inheritance: Autosomal dominant inheritance. Affected: yes.

PreventionGenetics, part of Exact Sciences
Classification: Benign for SFTPA1-related condition. Last evaluated: 2024-09-17. Review status: no assertion criteria provided. Collection method: clinical testing. Allele origin: germline. Not counted in ClinVar's aggregate classification.
Comment: This variant is classified as benign based on ACMG/AMP sequence variant interpretation guidelines (Richards et al. 2015 PMID: 25741868, with internal and published modifications).